The following is an entry in ClinVar:

NM_004586.3(RPS6KA3):c.295A>G (p.Met99Val)

Gene: RPS6KA3 (ribosomal protein S6 kinase A3; minus strand). Cytogenetic location: Xp22.12.
Variant type: single nucleotide variant.
Coding change: c.295A>G on transcript NM_004586.3 (MANE Select); coding-DNA position 295, A replaced by G.
Protein change: p.Met99Val; replaces methionine 99 with valine.
Molecular consequence: missense variant.
Genome position (GRCh38, 1-based): chrX:20,204,052, T>C on the plus strand (A>G on the coding strand, the complement: RPS6KA3 is on the minus strand). VCF-style: chrX-20204052-T-C. GRCh37 (hg19) VCF-style: chrX-20222170-T-C.
Other names: short protein forms M99V.
Identifiers: ClinVar variation 579861 (VCV000579861.12), dbSNP rs1569232184, ClinGen allele CA412511525.

ClinVar aggregate classification (germline): Uncertain significance. Review status: criteria provided, multiple submitters, no conflicts (2 of 4 stars). 3 submissions from 3 submitters: Uncertain significance (3). Last evaluated 2025-02-13.

Conditions:
Coffin-Lowry syndrome (CLS). Also called: COFFIN-LOWRY SYNDROME, MILD; Mental retardation with osteocartilaginous abnormalities. Identifiers: Orphanet 192, MedGen C0265252, MONDO:0010561, OMIM 303600.
Intellectual developmental disorder, X-linked 19. Also called: Intellectual disability, X-linked 19. Identifiers: Orphanet 777, MedGen C0796225, MONDO:0010447, OMIM 300844.

Submissions (3):

Victorian Clinical Genetics Services, Murdoch Childrens Research Institute
Classification: Uncertain significance for Coffin-Lowry syndrome. Last evaluated: 2025-02-13. Review status: criteria provided, single submitter. Criteria: ACMG Guidelines, 2015. Collection method: clinical testing. Allele origin: germline. Affected: yes.
Comment: This variant is classified as VUS-3A. Evidence in support of pathogenic classification: Variant is absent from gnomAD (v2, v3 and v4); Missense variant in a region that is highly intolerant to missense variation (high constraint region in DECIPHER). Additional information: Variant is predicted to result in a missense amino acid change from methionine to valine; This variant is hemizygous; This gene is associated with X-linked dominant disease. Females may be severely affected or very mild, with some affected males having inherited their variants from unaffected mothers (PMIDs: 19888300, 16879200); Previous evidence of pathogenicity for this variant is inconclusive. This variant has been classified once as a VUS in an individual with global developmental delay and seizures by a clinical laboratory (ClinVar, personal communication); No published segregation evidence has been identified for this variant; No published functional evidence has been identified for this variant; Another missense variant(s) comparable to the one identified in this case has inconclusive previous evidence for pathogenicity. p.(Met99Thr) has been classified twice as a VUS by clinical laboratories (ClinVar). Missense variant with inconclusive in silico prediction and uninformative conservation; Loss of function is a known mechanism of disease in this gene and is associated with Coffin-Lowry syndrome (MIM#303600) and intellectual developmental disorder, X-linked 19 (MIM#300844); Variants in this gene are known to have variable expressivity, with intrafamilial variability reported (PMID: 32858545).

Blueprint Genetics
Classification: Uncertain significance. Last evaluated: 2024-09-25. Review status: criteria provided, single submitter. Criteria: ACMG Guidelines, 2015. Collection method: clinical testing. Allele origin: germline.

Labcorp Genetics (formerly Invitae), Labcorp
Classification: Uncertain significance for Coffin-Lowry syndrome; Intellectual developmental disorder, X-linked 19. Last evaluated: 2018-06-19. Review status: criteria provided, single submitter. Criteria: Invitae Variant Classification Sherloc (09022015). Collection method: clinical testing. Allele origin: germline.
Comment: In summary, the available evidence is currently insufficient to determine the role of this variant in disease. Therefore, it has been classified as a Variant of Uncertain Significance. Algorithms developed to predict the effect of missense changes on protein structure and function do not agree on the potential impact of this missense change (SIFT: "Deleterious"; PolyPhen-2: "Benign"; Align-GVGD: "Class C0"). This variant has not been reported in the literature in individuals with RPS6KA3-related disease. This variant is not present in population databases (ExAC no frequency). This sequence change replaces methionine with valine at codon 99 of the RPS6KA3 protein (p.Met99Val). The methionine residue is highly conserved and there is a small physicochemical difference between methionine and valine.

Literature cited by the submitters: PubMed 32858545 (cited by Victorian Clinical Genetics Services, Murdoch Childrens Research Institute); PubMed 16879200 (cited by Victorian Clinical Genetics Services, Murdoch Childrens Research Institute); PubMed 19888300 (cited by Victorian Clinical Genetics Services, Murdoch Childrens Research Institute).